The following is an entry in ClinVar:

ClinVar aggregate classification (germline): Uncertain significance (1 of 4 stars; one submission).

Conditions:
Fanconi anemia (FA). Also called: Fanconi's anemia. Identifiers: Orphanet 84, MedGen C0015625, MeSH D005199, MONDO:0019391.

Submission:

Labcorp Genetics (formerly Invitae), Labcorp
Classification: Uncertain significance for Fanconi anemia. Last evaluated: 2026-01-21. Review status: criteria provided, single submitter. Criteria: Invitae Variant Classification Sherloc (09022015). Collection method: clinical testing. Allele origin: germline.
Comment: This sequence change replaces proline, which is neutral and non-polar, with arginine, which is basic and polar, at codon 643 of the FANCI protein (p.Pro643Arg). This variant is not present in population databases (gnomAD no frequency). This variant has not been reported in the literature in individuals affected with FANCI-related conditions. Invitae Evidence Modeling of protein sequence and biophysical properties (such as structural, functional, and spatial information, amino acid conservation, physicochemical variation, residue mobility, and thermodynamic stability) indicates that this missense variant is expected to disrupt FANCI protein function with a positive predictive value of 80%. In summary, the available evidence is currently insufficient to determine the role of this variant in disease. Therefore, it has been classified as a Variant of Uncertain Significance.

NM_001113378.2(FANCI):c.1928C>G (p.Pro643Arg)

Gene: FANCI (FA complementation group I; plus strand). Cytogenetic location: 15q26.1.
Variant type: single nucleotide variant.
Coding change: c.1928C>G on transcript NM_001113378.2 (MANE Select); coding-DNA position 1928, C replaced by G.
Protein change: p.Pro643Arg; replaces proline 643 with arginine.
Molecular consequence: missense variant.
Genome position (GRCh38, 1-based): chr15:89,291,650, C>G. VCF-style: chr15-89291650-C-G. GRCh37 (hg19) VCF-style: chr15-89834881-C-G.
Other names: c.1649C>G, p.Pro550Arg (NM_001376910.1); c.1928C>G, p.Pro643Arg (NM_001376911.1, NM_018193.3); short protein forms P550R, P643R.
Identifiers: ClinVar variation 4703057 (VCV004703057.1).